The following is an entry in ClinVar:

ClinVar aggregate classification (germline): Uncertain significance (1 of 4 stars; one submission).

Conditions:
Spastic paraplegia. Identifiers: MedGen C0037772, HP:0001258.

Allele frequency attached by ClinVar (database versions not stated): gnomAD 0.00001; gnomAD exomes 0.00001; TOPMed 0.00001.
gnomAD v4.1: 11 of 1,614,106 alleles (0.00068%); highest among the groups gnomAD compares: Non-Finnish European, 0.00093%; no homozygotes.

Submission:

Labcorp Genetics (formerly Invitae), Labcorp
Classification: Uncertain significance for Spastic paraplegia. Last evaluated: 2025-07-07. Review status: criteria provided, single submitter. Criteria: Invitae Variant Classification Sherloc (09022015). Collection method: clinical testing. Allele origin: germline.
Comment: This sequence change replaces alanine, which is neutral and non-polar, with threonine, which is neutral and polar, at codon 725 of the GBA2 protein (p.Ala725Thr). This variant is not present in population databases (gnomAD no frequency). This variant has not been reported in the literature in individuals affected with GBA2-related conditions. ClinVar contains an entry for this variant (Variation ID: 935487). Invitae Evidence Modeling of protein sequence and biophysical properties (such as structural, functional, and spatial information, amino acid conservation, physicochemical variation, residue mobility, and thermodynamic stability) indicates that this missense variant is not expected to disrupt GBA2 protein function with a negative predictive value of 80%. In summary, the available evidence is currently insufficient to determine the role of this variant in disease. Therefore, it has been classified as a Variant of Uncertain Significance.

NM_020944.3(GBA2):c.2173G>A (p.Ala725Thr)

Gene: GBA2 (glucosylceramidase beta 2; minus strand). Cytogenetic location: 9p13.3.
Variant type: single nucleotide variant.
Coding change: c.2173G>A on transcript NM_020944.3 (MANE Select); coding-DNA position 2173, G replaced by A.
Protein change: p.Ala725Thr; replaces alanine 725 with threonine.
Molecular consequence: missense variant.
Genome position (GRCh38, 1-based): chr9:35,738,256, C>T on the plus strand (G>A on the coding strand, the complement: GBA2 is on the minus strand). VCF-style: chr9-35738256-C-T. GRCh37 (hg19) VCF-style: chr9-35738253-C-T.
Other names: c.2173G>A, p.Ala725Thr (NM_001330660.2); short protein forms A725T.
Identifiers: ClinVar variation 935487 (VCV000935487.9), dbSNP rs1273177779, ClinGen allele CA373408146.